The following is an entry in ClinVar:

ClinVar aggregate classification (germline): Benign. Review status: criteria provided, multiple submitters, no conflicts (2 of 4 stars). 8 submissions from 8 submitters: Benign (6). 2 of the submissions do not count toward it. Last evaluated 2026-02-02.

Conditions:
ADA-related disorder. Also called: ADA-related condition.
Severe combined immunodeficiency, autosomal recessive, T cell-negative, B cell-negative, NK cell-negative, due to adenosine deaminase deficiency. Also called: ADA-SCID; SCID DUE TO ADA DEFICIENCY; SCID DUE TO ADA DEFICIENCY, EARLY-ONSET; ADA deficiency; Adenosine deaminase deficient severe combined immunodeficiency; Severe combined immunodeficiency due to ADA deficiency. Identifiers: Orphanet 277, MedGen C0392607, MONDO:0007064, OMIM 102700.

Allele frequency attached by ClinVar (database versions not stated): gnomAD exomes 0.00180 and 0.00408; ExAC 0.00472; ESP Exome Variant Server 0.00630; gnomAD 0.00639 and 0.00668; TOPMed 0.00762; 1000 Genomes Project 30x 0.01312; 1000 Genomes Project 0.01358.
gnomAD v4.1: 3,725 of 1,614,234 alleles (0.23%); highest among the groups gnomAD compares: East Asian, 3.1%; 50 homozygotes.

Submissions (8):

Labcorp Genetics (formerly Invitae), Labcorp
Classification: Benign for Severe combined immunodeficiency, autosomal recessive, T cell-negative, B cell-negative, NK cell-negative, due to adenosine deaminase deficiency. Last evaluated: 2026-02-02. Review status: criteria provided, single submitter. Criteria: Invitae Variant Classification Sherloc (09022015). Collection method: clinical testing. Allele origin: germline.

ARUP Laboratories, Molecular Genetics and Genomics, ARUP Laboratories
Classification: Benign. Last evaluated: 2023-09-11. Review status: criteria provided, single submitter. Criteria: ARUP Molecular Germline Variant Investigation Process 2024. Collection method: clinical testing. Allele origin: germline.

Mayo Clinic Laboratories, Mayo Clinic
Classification: Benign. Last evaluated: 2020-03-23. Review status: criteria provided, single submitter. Criteria: ACMG Guidelines, 2015. Collection method: clinical testing. Allele origin: germline. Observed: 11 variant alleles.

GeneDx
Classification: Benign. Last evaluated: 2018-08-24. Review status: criteria provided, single submitter. Criteria: GeneDx Variant Classification Process June 2021. Collection method: clinical testing. Allele origin: germline. Affected: yes.

Illumina Laboratory Services, Illumina
Classification: Benign for Severe combined immunodeficiency, autosomal recessive, T cell-negative, B cell-negative, NK cell-negative, due to adenosine deaminase deficiency. Last evaluated: 2018-01-13. Review status: criteria provided, single submitter. Criteria: ICSL Variant Classification Criteria 13 December 2019. Collection method: clinical testing. Allele origin: germline.
Comment: This variant was observed in the ICSL laboratory as part of a predisposition screen in an ostensibly healthy population. It had not been previously curated by ICSL or reported in the Human Gene Mutation Database (HGMD: prior to June 1st, 2018), and was therefore a candidate for classification through an automated scoring system. Utilizing variant allele frequency, disease prevalence and penetrance estimates, and inheritance mode, an automated score was calculated to assess if this variant is too frequent to cause the disease. Based on the score and internal cut-off values, a variant classified as benign is not then subjected to further curation. The score for this variant resulted in a classification of benign for this disease.

Breakthrough Genomics
Classification: Benign. Review status: criteria provided, single submitter. Criteria: ACMG Guidelines, 2015. Collection method: not provided. Allele origin: germline. Inheritance: Autosomal recessive inheritance. Affected: yes.

Natera, Inc.
Classification: Benign for Severe combined immunodeficiency due to ADA deficiency. Last evaluated: 2019-10-18. Review status: no assertion criteria provided. Collection method: clinical testing. Allele origin: germline. Not counted in ClinVar's aggregate classification.

PreventionGenetics, part of Exact Sciences
Classification: Benign for ADA-related condition. Last evaluated: 2019-05-01. Review status: no assertion criteria provided. Collection method: clinical testing. Allele origin: germline. Not counted in ClinVar's aggregate classification.
Comment: This variant is classified as benign based on ACMG/AMP sequence variant interpretation guidelines (Richards et al. 2015 PMID: 25741868, with internal and published modifications).

NM_000022.4(ADA):c.834T>C (p.His278=)

Gene: ADA (adenosine deaminase; minus strand). Cytogenetic location: 20q13.12.
Variant type: single nucleotide variant.
Coding change: c.834T>C on transcript NM_000022.4 (MANE Select); coding-DNA position 834, T replaced by C.
Protein change: p.His278=; no amino-acid change (histidine 278 retained).
Molecular consequence: synonymous variant.
Genome position (GRCh38, 1-based): chr20:44,622,599, A>G on the plus strand (T>C on the coding strand, the complement: ADA is on the minus strand). VCF-style: chr20-44622599-A-G. GRCh37 (hg19) VCF-style: chr20-43251240-A-G.
Other names: p.His278=; c.429T>C, p.His143= (NM_001322050.2); c.762T>C, p.His254= (NM_001322051.2); c.834T>C (NM_000022.3).
Identifiers: ClinVar variation 338505 (VCV000338505.23), dbSNP rs116962828, ClinGen allele CA9871498.